The following is an entry in ClinVar:

NM_005823.6(MSLN):c.*69G>A

Gene: MSLN (mesothelin; plus strand). Cytogenetic location: 16p13.3.
Variant type: single nucleotide variant.
Coding change: c.*69G>A on transcript NM_005823.6 (MANE Select); 69 bases downstream of the stop codon, G replaced by A.
Molecular consequence: 3 prime UTR variant.
Genome position (GRCh38, 1-based): chr16:768,802, G>A. VCF-style: chr16-768802-G-A. GRCh37 (hg19) VCF-style: chr16-818802-G-A.
Other names: c.*69G>A (NM_001177355.3, NM_013404.4).
Identifiers: ClinVar variation 1232817 (VCV001232817.4), dbSNP rs1057147, ClinGen allele CA7792095.

ClinVar aggregate classification (germline): Benign. Review status: criteria provided, multiple submitters, no conflicts (2 of 4 stars). 2 submissions from 2 submitters: Benign (2). Last evaluated 2020-10-29.

Allele frequency attached by ClinVar (database versions not stated): gnomAD exomes 0.20649 and 0.20955; gnomAD 0.21036 and 0.21048; TOPMed 0.21492; 1000 Genomes Project 30x 0.21643; 1000 Genomes Project 0.21705; ExAC 0.24299.

Submissions (2):

GeneDx
Classification: Benign. Last evaluated: 2020-10-29. Review status: criteria provided, single submitter. Criteria: GeneDx Variant Classification Process June 2021. Collection method: clinical testing. Allele origin: germline. Affected: yes.
Comment: This variant is associated with the following publications: (PMID: 25436799)

Breakthrough Genomics
Classification: Benign. Review status: criteria provided, single submitter. Criteria: ACMG Guidelines, 2015. Collection method: not provided. Allele origin: germline. Inheritance: Unknown mechanism. Affected: yes.